The following is an entry in ClinVar:

ClinVar aggregate classification (germline): Uncertain significance (1 of 4 stars; one submission).

Conditions:
Osteogenesis imperfecta type I (OI1). Also called: OI, TYPE I; OSTEOGENESIS IMPERFECTA TARDA; OSTEOGENESIS IMPERFECTA WITH BLUE SCLERAE; Osteogenesis imperfecta type 1; Lobstein disease; Classic Non-deforming Osteogenesis Imperfecta with Blue Sclerae. Identifiers: Orphanet 216796, Orphanet 666, MedGen C0023931, MONDO:0008146, OMIM 166200. Disease mechanism: loss of function.

Submission:

Labcorp Genetics (formerly Invitae), Labcorp
Classification: Uncertain significance for Osteogenesis imperfecta type I. Last evaluated: 2019-05-06. Review status: criteria provided, single submitter. Criteria: Invitae Variant Classification Sherloc (09022015). Collection method: clinical testing. Allele origin: germline.
Comment: This sequence change replaces leucine with proline at codon 12 of the COL1A1 protein (p.Leu12Pro). The leucine residue is highly conserved and there is a moderate physicochemical difference between leucine and proline. In summary, the available evidence is currently insufficient to determine the role of this variant in disease. Therefore, it has been classified as a Variant of Uncertain Significance. This variant disrupts the p.Leu12 amino acid residue in COL1A1. Other variant(s) that disrupt this residue have been determined to be pathogenic (Invitae). This suggests that this residue is clinically significant, and that variants that disrupt this residue are likely to be disease-causing. This variant is not present in population databases (ExAC no frequency).

NM_000088.4(COL1A1):c.35T>C (p.Leu12Pro)

Gene: COL1A1 (collagen type I alpha 1 chain; minus strand). Cytogenetic location: 17q21.33.
Variant type: single nucleotide variant.
Coding change: c.35T>C on transcript NM_000088.4 (MANE Select); coding-DNA position 35, T replaced by C.
Protein change: p.Leu12Pro; replaces leucine 12 with proline.
Molecular consequence: missense variant.
Genome position (GRCh38, 1-based): chr17:50,201,479, A>G on the plus strand (T>C on the coding strand, the complement: COL1A1 is on the minus strand). VCF-style: chr17-50201479-A-G. GRCh37 (hg19) VCF-style: chr17-48278840-A-G.
Other names: short protein forms L12P.
Identifiers: ClinVar variation 951433 (VCV000951433.10), dbSNP rs1555575857, ClinGen allele CA400230427.